The following is an entry in ClinVar:

ClinVar aggregate classification (germline): Pathogenic. Review status: criteria provided, multiple submitters, no conflicts (2 of 4 stars). 2 submissions from 2 submitters: Pathogenic (2). Last evaluated 2022-01-11.
ClinVar aggregate classification (oncogenicity): Likely oncogenic (1 of 4 stars; one submission).

Conditions:
Juvenile polyposis syndrome (JPS). Identifiers: Orphanet 2929, MedGen C0345893, MONDO:0017380, OMIM 174900.
Familial thoracic aortic aneurysm and aortic dissection (TAAD). Also called: Thoracic aortic aneurysms and dissections. Identifiers: Orphanet 91387, MedGen C4707243, MONDO:0019625.
Hereditary cancer-predisposing syndrome. Also called: Hereditary Cancer Syndrome; Neoplastic Syndromes, Hereditary; Hereditary neoplastic syndrome; Tumor predisposition. Identifiers: Orphanet 140162, MedGen C0027672, MeSH D009386, MONDO:0015356.
Neoplasm. Also called: Neoplasms; Neoplasm (disease); tumor. Identifiers: MedGen C0027651, MeSH D009369, MONDO:0005070, HP:0002664.

Submissions (3):

Center for Genomic Medicine, Rigshospitalet, Copenhagen University Hospital
Classification: Likely oncogenic for Neoplasm. Last evaluated: 2025-12-29. Review status: criteria provided, single submitter. Criteria: ClinGen/CGC/VICC Guidelines for Oncogenicity, 2022. Collection method: clinical testing. Allele origin: somatic. Affected: yes.

Labcorp Genetics (formerly Invitae), Labcorp
Classification: Pathogenic for Juvenile polyposis syndrome. Last evaluated: 2022-01-11. Review status: criteria provided, single submitter. Criteria: Invitae Variant Classification Sherloc (09022015). Collection method: clinical testing. Allele origin: germline.
Comment: For these reasons, this variant has been classified as Pathogenic. ClinVar contains an entry for this variant (Variation ID: 818678). This premature translational stop signal has been observed in individual(s) with clinical features of juvenile polyposis syndrome (PMID: 24312718, 26681312). This variant is not present in population databases (gnomAD no frequency). This sequence change creates a premature translational stop signal (p.Tyr413*) in the SMAD4 gene. It is expected to result in an absent or disrupted protein product. Loss-of-function variants in SMAD4 are known to be pathogenic (PMID: 16152648, 16436638, 22810475).

Ambry Genetics
Classification: Pathogenic for Hereditary cancer-predisposing syndrome; Familial thoracic aortic aneurysm and aortic dissection. Last evaluated: 2018-11-14. Review status: criteria provided, single submitter. Criteria: Ambry Variant Classification Scheme 2023. Collection method: clinical testing. Allele origin: germline.
Comment: The p.Y413* variant (also known as c.1239C>G), located in coding exon 9 of the SMAD4 gene, results from a C to G substitution at nucleotide position 1239. This changes the amino acid from a tyrosine to a stop codon within coding exon 9. This variant has been reported in a family with juvenile polyposis syndrome (Jee MJ et al. Gut Liver. 2013 Nov;7:747-51). In addition to the clinical data presented in the literature, this alteration is expected to result in loss of function by premature protein truncation or nonsense-mediated mRNA decay. As such, this alteration is interpreted as a disease-causing mutation.

Literature cited by the submitters: PubMed 11553622 (cited by Center for Genomic Medicine, Rigshospitalet, Copenhagen University Hospital); PubMed 24312718 (cited by Labcorp Genetics (formerly Invitae), Labcorp); PubMed 26681312 (cited by Labcorp Genetics (formerly Invitae), Labcorp); PubMed 16152648 (cited by Labcorp Genetics (formerly Invitae), Labcorp); PubMed 16436638 (cited by Labcorp Genetics (formerly Invitae), Labcorp); PubMed 22810475 (cited by Labcorp Genetics (formerly Invitae), Labcorp).

NM_005359.6(SMAD4):c.1239C>G (p.Tyr413Ter)

Gene: SMAD4 (SMAD family member 4; plus strand). Cytogenetic location: 18q21.2.
Variant type: single nucleotide variant.
Coding change: c.1239C>G on transcript NM_005359.6 (MANE Select); coding-DNA position 1239, C replaced by G.
Protein change: p.Tyr413Ter; replaces tyrosine 413 with a stop codon.
Molecular consequence: nonsense.
Genome position (GRCh38, 1-based): chr18:51,067,118, C>G. VCF-style: chr18-51067118-C-G. GRCh37 (hg19) VCF-style: chr18-48593488-C-G.
Other names: short protein forms Y413*.
Identifiers: ClinVar variation 818678 (VCV000818678.10), dbSNP rs730881954, ClinGen allele CA402464930.
Genomic context (GRCh38, chr18:51,067,118, plus strand): 5'-TGAAGGTGATGTTTGGGTCAGGTGCCTTAGTGACCACGCGGTCTTTGTACAGAGTTACTA[C>G]TTAGACAGAGAAGCTGGGCGTGCACCTGGAGATGCTGTTCATAAGATCTACCCAAGTGCA-3'